The following is an entry in ClinVar:

ClinVar aggregate classification (germline): Uncertain significance (1 of 4 stars; one submission).

Submission:

Labcorp Genetics (formerly Invitae), Labcorp
Classification: Uncertain significance. Last evaluated: 2024-01-19. Review status: criteria provided, single submitter. Criteria: Invitae Variant Classification Sherloc (09022015). Collection method: clinical testing. Allele origin: germline.
Comment: This sequence change replaces alanine, which is neutral and non-polar, with proline, which is neutral and non-polar, at codon 1197 of the COL4A1 protein (p.Ala1197Pro). This variant is not present in population databases (gnomAD no frequency). This variant has not been reported in the literature in individuals affected with COL4A1-related conditions. ClinVar contains an entry for this variant (Variation ID: 1720910). An algorithm developed to predict the effect of missense changes on protein structure and function (PolyPhen-2) suggests that this variant is likely to be tolerated. In summary, the available evidence is currently insufficient to determine the role of this variant in disease. Therefore, it has been classified as a Variant of Uncertain Significance.

NM_001845.6(COL4A1):c.3589G>C (p.Ala1197Pro)

Gene: COL4A1 (collagen type IV alpha 1 chain; minus strand). Cytogenetic location: 13q34.
Variant type: single nucleotide variant.
Coding change: c.3589G>C on transcript NM_001845.6 (MANE Select); coding-DNA position 3589, G replaced by C.
Protein change: p.Ala1197Pro; replaces alanine 1197 with proline.
Molecular consequence: missense variant.
Genome position (GRCh38, 1-based): chr13:110,170,700, C>G on the plus strand (G>C on the coding strand, the complement: COL4A1 is on the minus strand). VCF-style: chr13-110170700-C-G. GRCh37 (hg19) VCF-style: chr13-110823047-C-G.
Other names: short protein forms A1197P.
Identifiers: ClinVar variation 1720910 (VCV001720910.5), dbSNP rs2501761833, ClinGen allele CA388663373.
Genomic context (GRCh38, chr13:110,170,700, plus strand): 5'-GCCCCGGAGGACCCATGAATCCTTGCTCTCCTTTGGATCCAGGAATTCCTGGGCTCCCGG[C>G]TAATCCTGGGAAACCCACCTCACCCTTTGAACCTGAACAAGAAAAACAGTTTGAGGTGAT-3'
Protein context (NP_001836.3, residues 1187-1207): SKGEVGFPGL[Ala1197Pro]GSPGIPGSKG